The following is an entry in ClinVar:

NM_004655.4(AXIN2):c.2106C>T (p.Arg702=)

Gene: AXIN2 (axin 2; minus strand). Cytogenetic location: 17q24.1.
Variant type: single nucleotide variant.
Coding change: c.2106C>T on transcript NM_004655.4 (MANE Select); coding-DNA position 2106, C replaced by T.
Protein change: p.Arg702=; no amino-acid change (arginine 702 retained).
Molecular consequence: synonymous variant.
Genome position (GRCh38, 1-based): chr17:65,536,355, G>A on the plus strand (C>T on the coding strand, the complement: AXIN2 is on the minus strand). VCF-style: chr17-65536355-G-A. GRCh37 (hg19) VCF-style: chr17-63532473-G-A.
Other names: c.1911C>T, p.Arg637= (NM_001363813.1).
Identifiers: ClinVar variation 2471547 (VCV002471547.3), dbSNP rs2043914639, ClinGen allele CA501690895.

ClinVar aggregate classification (germline): Benign/Likely benign. Review status: criteria provided, multiple submitters, no conflicts (2 of 4 stars). 2 submissions from 2 submitters: Benign (1); Likely benign (1). Last evaluated 2024-07-09.

Conditions:
Hereditary cancer-predisposing syndrome. Also called: Neoplastic Syndromes, Hereditary; Hereditary neoplastic syndrome; Tumor predisposition; Hereditary Cancer Syndrome. Identifiers: Orphanet 140162, MedGen C0027672, MeSH D009386, MONDO:0015356.
Oligodontia-cancer predisposition syndrome. Also called: TOOTH AGENESIS-COLORECTAL CANCER SYNDROME. Identifiers: Orphanet 300576, MedGen C1837750, MONDO:0012075, OMIM 608615. Disease mechanism: loss of function.

Allele frequency attached by ClinVar (database versions not stated): gnomAD exomes below 0.00001.

Submissions (2):

Myriad Genetics, Inc.
Classification: Benign for Oligodontia-cancer predisposition syndrome. Last evaluated: 2024-07-09. Review status: criteria provided, single submitter. Criteria: Myriad Autosomal Dominant, Autosomal Recessive and X-Linked Classification Criteria (2023). Collection method: clinical testing. Allele origin: unknown.
Comment: This variant is considered benign. This variant is a silent/synonymous amino acid change and it is not expected to impact splicing.

Ambry Genetics
Classification: Likely benign for Hereditary cancer-predisposing syndrome. Last evaluated: 2022-11-03. Review status: criteria provided, single submitter. Criteria: Ambry Variant Classification Scheme 2023. Collection method: clinical testing. Allele origin: germline.